The following is an entry in ClinVar:

ClinVar aggregate classification (germline): Uncertain significance (1 of 4 stars; one submission).

Allele frequency attached by ClinVar (database versions not stated): TOPMed 0.00001; ExAC 0.00002; gnomAD 0.00002.
gnomAD v4.1: 14 of 1,613,798 alleles (0.00087%); highest among the groups gnomAD compares: Middle Eastern, 0.033%; no homozygotes.

Submission:

Athena Diagnostics
Classification: Uncertain significance. Last evaluated: 2022-12-05. Review status: criteria provided, single submitter. Criteria: Athena Diagnostics Criteria. Collection method: clinical testing. Allele origin: unknown.
Comment: Available data are insufficient to determine the clinical significance of the variant at this time. The frequency of this variant in the general population is uninformative in assessment of its pathogenicity. Computational tools disagree on the variant's effect on normal protein function.

NM_182961.4(SYNE1):c.82G>A (p.Val28Ile)

Gene: SYNE1 (spectrin repeat containing nuclear envelope protein 1; minus strand). Cytogenetic location: 6q25.2.
Variant type: single nucleotide variant.
Coding change: c.82G>A on transcript NM_182961.4 (MANE Select); coding-DNA position 82, G replaced by A.
Protein change: p.Val28Ile; replaces valine 28 with isoleucine.
Molecular consequence: missense variant.
Genome position (GRCh38, 1-based): chr6:152,540,007, C>T on the plus strand (G>A on the coding strand, the complement: SYNE1 is on the minus strand). VCF-style: chr6-152540007-C-T. GRCh37 (hg19) VCF-style: chr6-152861142-C-T.
Other names: c.82G>A, p.Val28Ile (NM_033071.5); short protein forms V28I.
Identifiers: ClinVar variation 2684063 (VCV002684063.1), dbSNP rs772909958, ClinGen allele CA4059885.
Genomic context (GRCh38, chr6:152,540,007, plus strand): 5'-TAGTTTCCTTTACCTTGGCCAGATGAGAGTTGATCCATTTTGTGAAAGTTCGTTTTTGTA[C>T]TATCTCTTGCTCATCTAGAAGGAAAAAGAAATCTGGTTAAATAATGTAATATTTCATGAA-3'
Protein context (NP_892006.3, residues 18-38): MQRLQDEQEI[Val28Ile]QKRTFTKWIN